The following is an entry in ClinVar:

ClinVar aggregate classification (germline): Uncertain significance (1 of 4 stars; one submission).

Submission:

Labcorp Genetics (formerly Invitae), Labcorp
Classification: Uncertain significance. Last evaluated: 2022-07-05. Review status: criteria provided, single submitter. Criteria: Invitae Variant Classification Sherloc (09022015). Collection method: clinical testing. Allele origin: germline.
Comment: In summary, the available evidence is currently insufficient to determine the role of this variant in disease. Therefore, it has been classified as a Variant of Uncertain Significance. Algorithms developed to predict the effect of missense changes on protein structure and function are either unavailable or do not agree on the potential impact of this missense change (SIFT: "Not Available"; PolyPhen-2: "Benign"; Align-GVGD: "Not Available"). ClinVar contains an entry for this variant (Variation ID: 1376714). This variant has not been reported in the literature in individuals affected with MYLK3-related conditions. Information on the frequency of this variant in the gnomAD database is not available, as this variant may be reported differently in the database. This sequence change replaces glycine, which is neutral and non-polar, with valine, which is neutral and non-polar, at codon 390 of the MYLK3 protein (p.Gly390Val).

NM_182493.3(MYLK3):c.1169_1170delinsTT (p.Gly390Val)

Gene: MYLK3 (myosin light chain kinase 3; minus strand). Cytogenetic location: 16q11.2.
Variant type: Indel.
Coding change: c.1169_1170delinsTT on transcript NM_182493.3 (MANE Select); coding-DNA positions 1169 to 1170, GA replaced by TT.
Protein change: p.Gly390Val; replaces glycine 390 with valine.
Molecular consequence: missense variant.
Genome position (GRCh38, 1-based): chr16:46,732,500-46,732,501, TC replaced by AA on the plus strand (GA replaced by TT on the coding strand, the reverse complement: MYLK3 is on the minus strand). VCF-style: chr16-46732500-TC-AA. GRCh37 (hg19) VCF-style: chr16-46766412-TC-AA.
Other names: c.146_147delinsTT, p.Gly49Val (NM_001308301.1); short protein forms G49V, G390V.
Identifiers: ClinVar variation 1376714 (VCV001376714.6), dbSNP rs2143015116, ClinGen allele CA2573152412.
Genomic context (GRCh38, chr16:46,732,500, plus strand): 5'-CCCGGGGCTGCTGCTCTCCTGCAGCGGGGAGAGCTCTCTGGCTCCTTCAGGGGTCTGTTC[TC>AA]CGGGCTCAGTCCCAGGGGCTTGGAGGCAGCGCCCGGTCCCAGGTGGGCCCTGCTTGCCTG-3'
Protein context (NP_872299.2, residues 380-400): RCLQAPGTEP[Gly390Val]EQTPEGAREL